The following is an entry in ClinVar:

ClinVar aggregate classification (germline): Uncertain significance. Review status: criteria provided, multiple submitters, no conflicts (2 of 4 stars). 4 submissions from 4 submitters: Uncertain significance (4). Last evaluated 2025-01-01.

Conditions:
Chédiak-Higashi syndrome (CHS). Also called: Chediak-Higashi Syndrome. Identifiers: Orphanet 167, MedGen C0007965, MONDO:0008963, OMIM 214500.

Allele frequency attached by ClinVar (database versions not stated): gnomAD exomes 0.00007 and 0.00016; TOPMed 0.00008; ExAC 0.00018; gnomAD 0.00003 and 0.00004.
gnomAD v4.1: 45 of 1,613,928 alleles (0.0028%); highest among the groups gnomAD compares: Admixed American, 0.075%; no homozygotes.

Submissions (4):

Mayo Clinic Laboratories, Mayo Clinic
Classification: Uncertain significance. Last evaluated: 2025-01-01. Review status: criteria provided, single submitter. Criteria: ACMG Guidelines, 2015. Collection method: clinical testing. Allele origin: germline. Observed: 1 variant allele.
Comment: BP4

Labcorp Genetics (formerly Invitae), Labcorp
Classification: Uncertain significance for Chédiak-Higashi syndrome. Last evaluated: 2022-09-13. Review status: criteria provided, single submitter. Criteria: Invitae Variant Classification Sherloc (09022015). Collection method: clinical testing. Allele origin: germline.
Comment: This sequence change replaces methionine, which is neutral and non-polar, with isoleucine, which is neutral and non-polar, at codon 430 of the LYST protein (p.Met430Ile). This variant is present in population databases (rs779163460, gnomAD 0.1%). This variant has not been reported in the literature in individuals affected with LYST-related conditions. ClinVar contains an entry for this variant (Variation ID: 944580). Advanced modeling of protein sequence and biophysical properties (such as structural, functional, and spatial information, amino acid conservation, physicochemical variation, residue mobility, and thermodynamic stability) performed at Invitae indicates that this missense variant is not expected to disrupt LYST protein function. In summary, the available evidence is currently insufficient to determine the role of this variant in disease. Therefore, it has been classified as a Variant of Uncertain Significance.

Revvity Omics, Revvity
Classification: Uncertain significance for Chédiak-Higashi syndrome. Last evaluated: 2021-05-28. Review status: criteria provided, single submitter. Criteria: ACMG Guidelines, 2015. Collection method: clinical testing. Allele origin: germline.

GeneDx
Classification: Uncertain significance. Last evaluated: 2018-12-03. Review status: criteria provided, single submitter. Criteria: GeneDx Variant Classification Process June 2021. Collection method: clinical testing. Allele origin: germline. Affected: yes.

NM_000081.4(LYST):c.1290G>A (p.Met430Ile)

Gene: LYST (lysosomal trafficking regulator; minus strand). Cytogenetic location: 1q42.3.
Variant type: single nucleotide variant.
Coding change: c.1290G>A on transcript NM_000081.4 (MANE Select); coding-DNA position 1290, G replaced by A.
Protein change: p.Met430Ile; replaces methionine 430 with isoleucine.
Molecular consequence: missense variant.
Genome position (GRCh38, 1-based): chr1:235,809,528, C>T on the plus strand (G>A on the coding strand, the complement: LYST is on the minus strand). VCF-style: chr1-235809528-C-T. GRCh37 (hg19) VCF-style: chr1-235972828-C-T.
Other names: p.Met430Ile; c.1290G>A, p.Met430Ile (NM_001301365.1); short protein forms M430I.
Identifiers: ClinVar variation 944580 (VCV000944580.11), dbSNP rs779163460, ClinGen allele CA1467488.